The following is an entry in ClinVar:

NM_007294.4(BRCA1):c.1414C>A (p.Pro472Thr)

Gene: BRCA1 (BRCA1 DNA repair associated; minus strand). Cytogenetic location: 17q21.31.
Variant type: single nucleotide variant.
Coding change: c.1414C>A on transcript NM_007294.4 (MANE Select); coding-DNA position 1414, C replaced by A.
Protein change: p.Pro472Thr; replaces proline 472 with threonine.
Molecular consequence: missense variant. On other transcripts: intron variant (137).
Genome position (GRCh38, 1-based): chr17:43,094,117, G>T on the plus strand (C>A on the coding strand, the complement: BRCA1 is on the minus strand). VCF-style: chr17-43094117-G-T. GRCh37 (hg19) VCF-style: chr17-41246134-G-T.
Other names: c.1411C>A, p.Pro471Thr (NM_001407644.1, NM_001407645.1, NM_001407587.1 and 22 more transcripts); c.670+1729C>A (NM_001408418.1, NM_001408423.1, NM_001408420.1 and 2 more transcripts); c.709+627C>A (NM_001408414.1, NM_001408411.1, NM_001408412.1 and 2 more transcripts); c.577+627C>A (NM_001408514.1, NM_001408485.1, NM_001408481.1 and 9 more transcripts); c.787+627C>A (NM_007298.4, NM_001407981.1, NM_001407978.1 and 19 more transcripts); c.643+627C>A (NM_001408462.1, NM_001408470.1, NM_001408464.1 and 3 more transcripts); c.1405C>A, p.Pro469Thr (NM_001407647.1, NM_001407646.1); c.1291C>A, p.Pro431Thr (NM_001407648.1, NM_001407664.1, NM_001407665.1 and 19 more transcripts); and 40 more; short protein forms P176T, P383T, P431T, P471T, P304T, P405T, P424T, P446T.
Identifiers: ClinVar variation 1772099 (VCV001772099.4), dbSNP rs2154447233, ClinGen allele CA10599220.

ClinVar aggregate classification (germline): Conflicting classifications of pathogenicity. Review status: criteria provided, conflicting classifications (1 of 4 stars). 2 submissions from 2 submitters: Uncertain significance (1); Likely benign (1). Last evaluated 2023-03-23.

Conditions:
Hereditary cancer-predisposing syndrome. Also called: Hereditary Cancer Syndrome; Hereditary neoplastic syndrome; Neoplastic Syndromes, Hereditary; Tumor predisposition. Identifiers: Orphanet 140162, MedGen C0027672, MeSH D009386, MONDO:0015356.

Submissions (2):

University of Washington Department of Laboratory Medicine, University of Washington
Classification: Likely benign for Hereditary cancer-predisposing syndrome. Last evaluated: 2023-03-23. Review status: criteria provided, single submitter. Criteria: Dines et al. (Genet Med. 2020). Collection method: curation. Allele origin: germline.
Comment: Missense variant in a coldspot region where missense variants are very unlikely to be pathogenic (PMID:31911673).

BRCA1 coldspot (exon 11 using historical exon numbering). Reclassification based on statistical prior probability

Ambry Genetics
Classification: Uncertain significance for Hereditary cancer-predisposing syndrome. Last evaluated: 2021-11-11. Review status: criteria provided, single submitter. Criteria: Ambry Variant Classification Scheme 2023. Collection method: clinical testing. Allele origin: germline.
Comment: The p.P472T variant (also known as c.1414C>A), located in coding exon 9 of the BRCA1 gene, results from a C to A substitution at nucleotide position 1414. The proline at codon 472 is replaced by threonine, an amino acid with highly similar properties. This amino acid position is conserved. In addition, this alteration is predicted to be deleterious by in silico analysis. Since supporting evidence is limited at this time, the clinical significance of this alteration remains unclear.